The following is an entry in ClinVar:

NM_001080453.3(INTS1):c.1809C>T (p.Leu603=)

Gene: INTS1 (integrator complex subunit 1; minus strand). Cytogenetic location: 7p22.3.
Variant type: single nucleotide variant.
Coding change: c.1809C>T on transcript NM_001080453.3 (MANE Select); coding-DNA position 1809, C replaced by T.
Protein change: p.Leu603=; no amino-acid change (leucine 603 retained).
Molecular consequence: synonymous variant.
Genome position (GRCh38, 1-based): chr7:1,495,456, G>A on the plus strand (C>T on the coding strand, the complement: INTS1 is on the minus strand). VCF-style: chr7-1495456-G-A. GRCh37 (hg19) VCF-style: chr7-1535092-G-A.
Identifiers: ClinVar variation 4872629 (VCV004872629.2).

ClinVar aggregate classification (germline): Likely benign (1 of 4 stars; one submission).

gnomAD v4.1: 154 of 1,612,274 alleles (0.0096%); highest among the groups gnomAD compares: African/African-American, 0.037%; 1 homozygote.

Submission:

CeGaT Center for Human Genetics Tuebingen
Classification: Likely benign. Last evaluated: 2026-04-01. Review status: criteria provided, single submitter. Criteria: CeGaT Center For Human Genetics Tuebingen Variant Classification Criteria Version 2. Collection method: clinical testing. Allele origin: germline. Affected: yes. Observed: 1 variant allele.
Comment: INTS1: BP4, BP7